The following is an entry in ClinVar:

NM_006269.2(RP1):c.2894G>T (p.Ser965Ile)

Gene: RP1 (RP1 axonemal microtubule associated; plus strand). Cytogenetic location: 8q12.1.
Variant type: single nucleotide variant.
Coding change: c.2894G>T on transcript NM_006269.2 (MANE Select); coding-DNA position 2894, G replaced by T.
Protein change: p.Ser965Ile; replaces serine 965 with isoleucine.
Molecular consequence: missense variant.
Genome position (GRCh38, 1-based): chr8:54,626,776, G>T. VCF-style: chr8-54626776-G-T. GRCh37 (hg19) VCF-style: chr8-55539336-G-T.
Other names: short protein forms S965I.
Identifiers: ClinVar variation 363286 (VCV000363286.18), dbSNP rs201110322, ClinGen allele CA4751602.

ClinVar aggregate classification (germline): Benign/Likely benign. Review status: criteria provided, multiple submitters, no conflicts (2 of 4 stars). 5 submissions from 5 submitters: Benign (1); Likely benign (4). Last evaluated 2026-02-17.

Conditions:
RP1-related disorder. Also called: RP1-related condition.
Retinal dystrophy. Also called: Inherited retinal dystrophy. Identifiers: Orphanet 71862, MedGen C0854723, MeSH D058499, MONDO:0019118, HP:0000556.
Retinitis pigmentosa (RP). Identifiers: Orphanet 791, MedGen C0035334, MeSH D012174, MONDO:0019200, OMIM 268000. Inheritance: Autosomal dominant, autosomal recessive and X linked inheritance.

Allele frequency attached by ClinVar (database versions not stated): TOPMed 0.00008; gnomAD 0.00009 and 0.00025; gnomAD exomes 0.00035 and 0.00071; ExAC 0.00045; 1000 Genomes Project 30x 0.00125; 1000 Genomes Project 0.00160.
gnomAD v4.1: 1,038 of 1,613,804 alleles (0.064%); highest among the groups gnomAD compares: East Asian, 2.3%; 19 homozygotes.

Submissions (5):

PreventionGenetics, part of Exact Sciences
Classification: Likely benign for RP1-related condition. Last evaluated: 2026-02-17. Review status: criteria provided, single submitter. Criteria: ACMG Guidelines, 2015. Collection method: clinical testing. Allele origin: germline.
Comment: This variant is classified as likely benign based on ACMG/AMP sequence variant interpretation guidelines (Richards et al. 2015 PMID: 25741868, with internal and published modifications).

Labcorp Genetics (formerly Invitae), Labcorp
Classification: Likely benign. Last evaluated: 2025-07-21. Review status: criteria provided, single submitter. Criteria: Invitae Variant Classification Sherloc (09022015). Collection method: clinical testing. Allele origin: germline.

Blueprint Genetics
Classification: Likely benign. Last evaluated: 2024-11-22. Review status: criteria provided, single submitter. Criteria: ACMG Guidelines, 2015. Collection method: clinical testing. Allele origin: germline.

Dept Of Ophthalmology, Nagoya University
Classification: Benign for Retinal dystrophy. Last evaluated: 2023-10-01. Review status: criteria provided, single submitter. Criteria: Submitter's publication. Collection method: research. Allele origin: germline. Affected: yes.

Illumina Laboratory Services, Illumina
Classification: Likely benign for Retinitis pigmentosa. Last evaluated: 2018-01-12. Review status: criteria provided, single submitter. Criteria: ICSL Variant Classification Criteria 13 December 2019. Collection method: clinical testing. Allele origin: germline.
Comment: This variant was observed in the ICSL laboratory as part of a predisposition screen in an ostensibly healthy population. It had not been previously curated by ICSL or reported in the Human Gene Mutation Database (HGMD: prior to June 1st, 2018), and was therefore a candidate for classification through an automated scoring system. Utilizing variant allele frequency, disease prevalence and penetrance estimates, and inheritance mode, an automated score was calculated to assess if this variant is too frequent to cause the disease. Based on the score and internal cut-off values, a variant classified as likely benign is not then subjected to further curation. The score for this variant resulted in a classification of likely benign for this disease.